The following is an entry in ClinVar:

NM_033380.3(COL4A5):c.1628C>G (p.Ser543Cys)

Gene: COL4A5 (collagen type IV alpha 5 chain; plus strand). Cytogenetic location: Xq22.3.
Variant type: single nucleotide variant.
Coding change: c.1628C>G on transcript NM_033380.3 (MANE Select); coding-DNA position 1628, C replaced by G.
Protein change: p.Ser543Cys; replaces serine 543 with cysteine.
Molecular consequence: missense variant.
Genome position (GRCh38, 1-based): chrX:108,597,417, C>G. VCF-style: chrX-108597417-C-G. GRCh37 (hg19) VCF-style: chrX-107840647-C-G.
Other names: c.1628C>G, p.Ser543Cys (NM_000495.5); short protein forms S543C.
Identifiers: ClinVar variation 3636316 (VCV003636316.2).
Genomic context (GRCh38, chrX:108,597,417, plus strand): 5'-TTTTTCCTTACTCATTTCAGGGCATTCCAGGAGCTCCAGGTGCTCCAGGCTTTCCTGGAT[C>G]TAAAGGTGAACCTGGTGATATCCTCACTTTTCCAGGAATGAAGGGTGACAAAGGAGAGTT-3'
Protein context (NP_203699.1, residues 533-553): GAPGAPGFPG[Ser543Cys]KGEPGDILTF

ClinVar aggregate classification (germline): Uncertain significance (1 of 4 stars; one submission).

Submission:

Labcorp Genetics (formerly Invitae), Labcorp
Classification: Uncertain significance. Last evaluated: 2024-09-12. Review status: criteria provided, single submitter. Criteria: Invitae Variant Classification Sherloc (09022015). Collection method: clinical testing. Allele origin: germline.
Comment: This sequence change replaces serine, which is neutral and polar, with cysteine, which is neutral and slightly polar, at codon 543 of the COL4A5 protein (p.Ser543Cys). This variant is not present in population databases (gnomAD no frequency). This variant has not been reported in the literature in individuals affected with COL4A5-related conditions. Invitae Evidence Modeling of protein sequence and biophysical properties (such as structural, functional, and spatial information, amino acid conservation, physicochemical variation, residue mobility, and thermodynamic stability) indicates that this missense variant is not expected to disrupt COL4A5 protein function with a negative predictive value of 95%. In summary, the available evidence is currently insufficient to determine the role of this variant in disease. Therefore, it has been classified as a Variant of Uncertain Significance.